The following is an entry in ClinVar:

ClinVar aggregate classification (germline): Uncertain significance (1 of 4 stars; one submission).

Conditions:
Inborn genetic diseases. Identifiers: MedGen C0950123, MeSH D030342.

gnomAD v4.1: 4 of 1,613,948 alleles (0.00025%); highest among the groups gnomAD compares: Non-Finnish European, 0.00034%; no homozygotes.

Submission:

Ambry Genetics
Classification: Uncertain significance for Inborn genetic diseases. Last evaluated: 2024-05-21. Review status: criteria provided, single submitter. Criteria: Ambry Variant Classification Scheme 2023. Collection method: clinical testing. Allele origin: germline.
Comment: The p.R690P variant (also known as c.2069G>C), located in coding exon 22 of the ERCC2 gene, results from a G to C substitution at nucleotide position 2069. The arginine at codon 690 is replaced by proline, an amino acid with dissimilar properties. This amino acid position is conserved. In addition, this alteration is predicted to be deleterious by in silico analysis. Since supporting evidence is limited at this time, the clinical significance of this alteration remains unclear.

NM_000400.4(ERCC2):c.2069G>C (p.Arg690Pro)

Gene: ERCC2 (ERCC excision repair 2, TFIIH core complex helicase subunit; minus strand). Cytogenetic location: 19q13.32.
Variant type: single nucleotide variant.
Coding change: c.2069G>C on transcript NM_000400.4 (MANE Select); coding-DNA position 2069, G replaced by C.
Protein change: p.Arg690Pro; replaces arginine 690 with proline.
Molecular consequence: missense variant.
Genome position (GRCh38, 1-based): chr19:45,352,330, C>G on the plus strand (G>C on the coding strand, the complement: ERCC2 is on the minus strand). VCF-style: chr19-45352330-C-G. GRCh37 (hg19) VCF-style: chr19-45855588-C-G.
Other names: short protein forms R690P.
Identifiers: ClinVar variation 1785338 (VCV001785338.3), dbSNP rs537616689, ClinGen allele CA308950228.